The following is an entry in ClinVar:

NM_024490.4(ATP10A):c.941T>C (p.Val314Ala)

Gene: ATP10A (ATPase phospholipid transporting 10A (putative); minus strand). Cytogenetic location: 15q12.
Variant type: single nucleotide variant.
Coding change: c.941T>C on transcript NM_024490.4 (MANE Select); coding-DNA position 941, T replaced by C.
Protein change: p.Val314Ala; replaces valine 314 with alanine.
Molecular consequence: missense variant.
Genome position (GRCh38, 1-based): chr15:25,725,989, A>G on the plus strand (T>C on the coding strand, the complement: ATP10A is on the minus strand). VCF-style: chr15-25725989-A-G. GRCh37 (hg19) VCF-style: chr15-25971136-A-G.
Other names: short protein forms V314A.
Identifiers: ClinVar variation 3043426 (VCV003043426.2), dbSNP rs76854611, ClinGen allele CA7436972.

ClinVar aggregate classification (germline): Benign (0 of 4 stars; one submission).

Conditions:
ATP10A-related disorder. Also called: ATP10A-related condition.

Allele frequency attached by ClinVar (database versions not stated): gnomAD exomes 0.00025; gnomAD 0.00052; TOPMed 0.00056; ExAC 0.00099; 1000 Genomes Project 30x 0.00234; 1000 Genomes Project 0.00300.
gnomAD v4.1: 455 of 1,614,078 alleles (0.028%); highest among the groups gnomAD compares: East Asian, 0.93%; 8 homozygotes.

Submission:

PreventionGenetics, part of Exact Sciences
Classification: Benign for ATP10A-related condition. Last evaluated: 2019-06-26. Review status: no assertion criteria provided. Collection method: clinical testing. Allele origin: germline.
Comment: This variant is classified as benign based on ACMG/AMP sequence variant interpretation guidelines (Richards et al. 2015 PMID: 25741868, with internal and published modifications).